The following is an entry in ClinVar:

NM_213720.3(CHCHD10):c.42-2A>G

Gene: CHCHD10 (coiled-coil-helix-coiled-coil-helix domain containing 10; minus strand). Cytogenetic location: 22q11.23.
Variant type: single nucleotide variant.
Coding change: c.42-2A>G on transcript NM_213720.3 (MANE Select); the canonical splice acceptor site of the intron before coding-DNA position 42, A replaced by G.
Molecular consequence: splice acceptor variant.
Genome position (GRCh38, 1-based): chr22:23,767,595, T>C on the plus strand (A>G on the coding strand, the complement: CHCHD10 is on the minus strand). VCF-style: chr22-23767595-T-C. GRCh37 (hg19) VCF-style: chr22-24109782-T-C.
Other names: c.42-2A>G (NM_001301339.2).
Identifiers: ClinVar variation 1043375 (VCV001043375.7), dbSNP rs1354578196, ClinGen allele CA410917097.
Genomic context (GRCh38, chr22:23,767,595, plus strand): 5'-GGGCGGCTGCCGAGGGCGGTGGGTGCGCGGGCGGGTGGGCAGAGGGCGCGGCTGGGCGGC[T>C]GCGGGGGTGGGAGGAAGCAGGGTTAATCCTGGCCAGACCCCAGGCTGGAGGGCTGCAGCT-3'

ClinVar aggregate classification (germline): Uncertain significance (1 of 4 stars; one submission).

Conditions:
Lower motor neuron syndrome with late-adult onset (SMAJ). Also called: Spinal muscular atrophy, Jokela type; Late-Onset Spinal Motor Neuronopathy (SMAJ). Identifiers: Orphanet 276435, MedGen C3554398, MONDO:0014025, OMIM 615048.
Frontotemporal dementia and/or amyotrophic lateral sclerosis 2. Also called: FTDALS2. Identifiers: Orphanet 275872, MedGen C4014648, MONDO:0014395, OMIM 615911.
Autosomal dominant mitochondrial myopathy with exercise intolerance (IMMD). Also called: Myopathy, isolated mitochondrial, autosomal dominant. Identifiers: Orphanet 457050, MedGen C4015513, MONDO:0014532, OMIM 616209.

Allele frequency attached by ClinVar (database versions not stated): TOPMed 0.00003; gnomAD 0.00004 and 0.00003.

Submission:

Labcorp Genetics (formerly Invitae), Labcorp
Classification: Uncertain significance for Lower motor neuron syndrome with late-adult onset; Frontotemporal dementia and/or amyotrophic lateral sclerosis 2; Autosomal dominant mitochondrial myopathy with exercise intolerance. Last evaluated: 2020-02-02. Review status: criteria provided, single submitter. Criteria: Invitae Variant Classification Sherloc (09022015). Collection method: clinical testing. Allele origin: germline.
Comment: This sequence change affects an acceptor splice site in intron 1 of the CHCHD10 gene. It is expected to disrupt RNA splicing and likely results in an absent or disrupted protein product. In summary, the available evidence is currently insufficient to determine the role of this variant in disease. Therefore, it has been classified as a Variant of Uncertain Significance. The current clinical and genetic evidence is not sufficient to establish whether loss-of-function variants in CHCHD10 cause disease. Algorithms developed to predict the effect of sequence changes on RNA splicing suggest that this variant may disrupt the consensus splice site, but this prediction has not been confirmed by published transcriptional studies. This variant has not been reported in the literature in individuals with CHCHD10-related conditions. The frequency data for this variant in the population databases is considered unreliable, as metrics indicate insufficient coverage at this position in the ExAC database.